The following is an entry in ClinVar:

ClinVar aggregate classification (germline): Uncertain significance (1 of 4 stars; one submission).

gnomAD v4.1: 3 of 1,614,212 alleles (0.00019%); highest among the groups gnomAD compares: South Asian, 0.0011%; no homozygotes.

Submission:

GeneDx
Classification: Uncertain significance. Last evaluated: 2023-01-24. Review status: criteria provided, single submitter. Criteria: GeneDx Variant Classification Process June 2021. Collection method: clinical testing. Allele origin: germline. Affected: yes.
Comment: Not observed at significant frequency in large population cohorts (gnomAD); In silico analysis supports that this missense variant has a deleterious effect on protein structure/function; Has not been previously published as pathogenic or benign to our knowledge

NM_032188.3(KAT8):c.965C>T (p.Pro322Leu)

Gene: KAT8 (lysine acetyltransferase 8; plus strand). Cytogenetic location: 16p11.2.
Variant type: single nucleotide variant.
Coding change: c.965C>T on transcript NM_032188.3 (MANE Select); coding-DNA position 965, C replaced by T.
Protein change: p.Pro322Leu; replaces proline 322 with leucine.
Molecular consequence: missense variant.
Genome position (GRCh38, 1-based): chr16:31,130,319, C>T. VCF-style: chr16-31130319-C-T. GRCh37 (hg19) VCF-style: chr16-31141640-C-T.
Other names: c.965C>T, p.Pro322Leu (NM_182958.4); short protein forms P322L.
Identifiers: ClinVar variation 2573908 (VCV002573908.1), dbSNP rs1373659655, ClinGen allele CA395677526.